The following is an entry in ClinVar:

ClinVar aggregate classification (germline): Likely benign (1 of 4 stars; one submission).

Allele frequency attached by ClinVar (database versions not stated): gnomAD exomes below 0.00001 and 0.00001; TOPMed below 0.00001; gnomAD 0.00001; 1000 Genomes Project 0.00020; 1000 Genomes Project 30x 0.00031.
gnomAD v4.1: 2 of 1,549,088 alleles (0.00013%); highest among the groups gnomAD compares: Admixed American, 0.0039%; no homozygotes.

Submission:

Laboratory for Molecular Medicine, Mass General Brigham Personalized Medicine
Classification: Likely benign. Last evaluated: 2014-11-24. Review status: criteria provided, single submitter. Criteria: LMM Criteria. Collection method: clinical testing. Allele origin: germline. Observed: 1 variant allele.
Comment: Val1071Val in exon 26 of OTOG: This variant is not expected to have clinical sig nificance because it does not alter an amino acid residue and is not located wit hin the splice consensus sequence. It has been identified in 0.8% (1/132) of Mex ican chromosomes from a broad population by the 1000 Genomes Project (.; dbSNP rs184126223).

NM_001292063.2(OTOG):c.3177C>T (p.Val1059=)

Gene: OTOG (otogelin; plus strand). Cytogenetic location: 11p15.1.
Variant type: single nucleotide variant.
Coding change: c.3177C>T on transcript NM_001292063.2 (MANE Select); coding-DNA position 3177, C replaced by T.
Protein change: p.Val1059=; no amino-acid change (valine 1059 retained).
Molecular consequence: synonymous variant.
Genome position (GRCh38, 1-based): chr11:17,593,645, C>T. VCF-style: chr11-17593645-C-T. GRCh37 (hg19) VCF-style: chr11-17615192-C-T.
Other names: c.3213C>T, p.Val1071= (NM_001277269.2).
Identifiers: ClinVar variation 666734 (VCV000666734.4), dbSNP rs184126223, ClinGen allele CA218460223.